The following is an entry in ClinVar:

ClinVar aggregate classification (germline): Uncertain significance (1 of 4 stars; one submission).

Conditions:
Malignant hyperthermia, susceptibility to, 5 (MHS5). Also called: CACNA1S-Related Malignant Hyperthermia Susceptibility. Identifiers: Orphanet 423, MedGen C1866077, MONDO:0011163, OMIM 601887.

Submission:

Color Diagnostics, LLC DBA Color Health
Classification: Uncertain significance for Malignant hyperthermia, susceptibility to, 5. Last evaluated: 2025-08-10. Review status: criteria provided, single submitter. Criteria: ACMG Guidelines, 2015. Collection method: clinical testing. Allele origin: germline.
Comment: This missense variant replaces leucine with histidine at codon 458 of the CACNA1S protein. To our knowledge, functional studies have not been reported for this variant. This variant has not been reported in individuals affected with CACNA1S-related disorders in the literature. This variant has not been identified in the general population by the Genome Aggregation Database (gnomAD). The available evidence is insufficient to determine the role of this variant in disease conclusively. Therefore, this variant is classified as a Variant of Uncertain Significance.

NM_000069.3(CACNA1S):c.1371_1373delinsACA (p.Leu458His)

Gene: CACNA1S (calcium voltage-gated channel subunit alpha1 S; minus strand). Cytogenetic location: 1q32.1.
Variant type: Indel.
Coding change: c.1371_1373delinsACA on transcript NM_000069.3 (MANE Select); coding-DNA positions 1371 to 1373, TCT replaced by ACA.
Protein change: p.Leu458His; replaces leucine 458 with histidine.
Molecular consequence: missense variant.
Genome position (GRCh38, 1-based): chr1:201,083,182-201,083,184, AGA replaced by TGT on the plus strand (TCT replaced by ACA on the coding strand, the reverse complement: CACNA1S is on the minus strand). VCF-style: chr1-201083182-AGA-TGT. GRCh37 (hg19) VCF-style: chr1-201052310-AGA-TGT.
Other names: short protein forms L458H.
Identifiers: ClinVar variation 4757962 (VCV004757962.1).